The following is an entry in ClinVar:

NM_031407.7(HUWE1):c.1483A>G (p.Met495Val)

Gene: HUWE1 (HECT, UBA and WWE domain containing E3 ubiquitin protein ligase 1; minus strand). Cytogenetic location: Xp11.22.
Variant type: single nucleotide variant.
Coding change: c.1483A>G on transcript NM_031407.7 (MANE Select); coding-DNA position 1483, A replaced by G.
Protein change: p.Met495Val; replaces methionine 495 with valine.
Molecular consequence: missense variant.
Genome position (GRCh38, 1-based): chrX:53,627,416, T>C on the plus strand (A>G on the coding strand, the complement: HUWE1 is on the minus strand). VCF-style: chrX-53627416-T-C. GRCh37 (hg19) VCF-style: chrX-53654367-T-C.
Other names: short protein forms M495V.
Identifiers: ClinVar variation 1676167 (VCV001676167.35), dbSNP rs782641553, ClinGen allele CA10422912.

ClinVar aggregate classification (germline): Conflicting classifications of pathogenicity. Review status: criteria provided, conflicting classifications (1 of 4 stars). 2 submissions from 2 submitters: Uncertain significance (1); Likely benign (1). Last evaluated 2024-03-09.

Allele frequency attached by ClinVar (database versions not stated): gnomAD exomes below 0.00001 and 0.00001; ExAC 0.00001.
gnomAD v4.1: 3 of 1,120,148 alleles (0.00027%); highest among the groups gnomAD compares: East Asian, 0.006%; no homozygotes.

Submissions (2):

Labcorp Genetics (formerly Invitae), Labcorp
Classification: Uncertain significance. Last evaluated: 2024-03-09. Review status: criteria provided, single submitter. Criteria: Invitae Variant Classification Sherloc (09022015). Collection method: clinical testing. Allele origin: germline.
Comment: This sequence change replaces methionine, which is neutral and non-polar, with valine, which is neutral and non-polar, at codon 495 of the HUWE1 protein (p.Met495Val). The frequency data for this variant in the population databases is considered unreliable, as metrics indicate poor data quality at this position in the gnomAD database. This variant has not been reported in the literature in individuals affected with HUWE1-related conditions. ClinVar contains an entry for this variant (Variation ID: 1676167). Advanced modeling of protein sequence and biophysical properties (such as structural, functional, and spatial information, amino acid conservation, physicochemical variation, residue mobility, and thermodynamic stability) has been performed at Invitae for this missense variant, however the output from this modeling did not meet the statistical confidence thresholds required to predict the impact of this variant on HUWE1 protein function. In summary, the available evidence is currently insufficient to determine the role of this variant in disease. Therefore, it has been classified as a Variant of Uncertain Significance.

CeGaT Center for Human Genetics Tuebingen
Classification: Likely benign. Last evaluated: 2022-01-01. Review status: criteria provided, single submitter. Criteria: CeGaT Center For Human Genetics Tuebingen Variant Classification Criteria Version 2. Collection method: clinical testing. Allele origin: germline. Affected: yes. Observed: 1 variant allele.